The following is an entry in ClinVar:

NM_002691.4(POLD1):c.2366C>T (p.Pro789Leu)

Gene: POLD1 (DNA polymerase delta 1, catalytic subunit; plus strand). Cytogenetic location: 19q13.33.
Variant type: single nucleotide variant.
Coding change: c.2366C>T on transcript NM_002691.4 (MANE Select); coding-DNA position 2366, C replaced by T.
Protein change: p.Pro789Leu; replaces proline 789 with leucine.
Molecular consequence: missense variant. On other transcripts: non-coding transcript variant (1).
Genome position (GRCh38, 1-based): chr19:50,413,857, C>T. VCF-style: chr19-50413857-C-T. GRCh37 (hg19) VCF-style: chr19-50917114-C-T.
Other names: c.2366C>T (NM_002691.2); c.2366C>T, p.Pro789Leu (NM_001256849.1); c.2444C>T, p.Pro815Leu (NM_001308632.1); short protein forms P789L, P815L.
Identifiers: ClinVar variation 2809641 (VCV002809641.4), dbSNP rs2122451190, ClinGen allele CA406984347.

ClinVar aggregate classification (germline): Uncertain significance. Review status: criteria provided, multiple submitters, no conflicts (2 of 4 stars). 2 submissions from 2 submitters: Uncertain significance (2). Last evaluated 2023-12-30.

Conditions:
POLD1-related polyposis and colorectal cancer syndrome (CRCS10). Also called: Colorectal cancer 10; Colorectal cancer, susceptibility to, 10; COLORECTAL CANCER, SUSCEPTIBILITY TO, ON CHROMOSOME 19q. Identifiers: Orphanet 220460, MedGen C2675481, MONDO:0012953, OMIM 612591.
Hereditary cancer-predisposing syndrome. Also called: Tumor predisposition; Hereditary Cancer Syndrome; Hereditary neoplastic syndrome; Neoplastic Syndromes, Hereditary. Identifiers: Orphanet 140162, MedGen C0027672, MeSH D009386, MONDO:0015356.

Submissions (2):

Labcorp Genetics (formerly Invitae), Labcorp
Classification: Uncertain significance for POLD1-related polyposis and colorectal cancer syndrome. Last evaluated: 2023-12-30. Review status: criteria provided, single submitter. Criteria: Invitae Variant Classification Sherloc (09022015). Collection method: clinical testing. Allele origin: germline.
Comment: This sequence change replaces proline, which is neutral and non-polar, with leucine, which is neutral and non-polar, at codon 789 of the POLD1 protein (p.Pro789Leu). This variant is not present in population databases (gnomAD no frequency). This variant has not been reported in the literature in individuals affected with POLD1-related conditions. Advanced modeling of protein sequence and biophysical properties (such as structural, functional, and spatial information, amino acid conservation, physicochemical variation, residue mobility, and thermodynamic stability) performed at Invitae indicates that this missense variant is expected to disrupt POLD1 protein function with a positive predictive value of 80%. In summary, the available evidence is currently insufficient to determine the role of this variant in disease. Therefore, it has been classified as a Variant of Uncertain Significance.

Ambry Genetics
Classification: Uncertain significance for Hereditary cancer-predisposing syndrome. Last evaluated: 2023-11-01. Review status: criteria provided, single submitter. Criteria: Ambry Variant Classification Scheme 2023. Collection method: clinical testing. Allele origin: germline.
Comment: The p.P789L variant (also known as c.2366C>T), located in coding exon 18 of the POLD1 gene, results from a C to T substitution at nucleotide position 2366. The proline at codon 789 is replaced by leucine, an amino acid with similar properties. This amino acid position is conserved. In addition, the in silico prediction for this alteration is inconclusive. Since supporting evidence is limited at this time, the clinical significance of this alteration remains unclear.